The following is an entry in ClinVar:

ClinVar aggregate classification (germline): Pathogenic (1 of 4 stars; one submission).

Submission:

Quest Diagnostics Nichols Institute San Juan Capistrano
Classification: Pathogenic. Last evaluated: 2024-02-03. Review status: criteria provided, single submitter. Criteria: ACMG/ClinGen CNV Guidelines, 2019. Collection method: clinical testing. Allele origin: unknown.
Comment: This copy number loss is associated with the 17q23.1q23.2 microdeletion syndrome (OMIM 613355) and involves several protein coding genes, including TBX4 (OMIM 601719). Individuals with this deletion present various phenotypic features (Ballif 2010, Schonewolf-Greulich 2011, Coe 2014). Haploinsufficiency of TBX4 is associated with coxopodopatellar syndrome (CCID:007981). This copy number variant (CNV) is classified as pathogenic. References: Ballif et al., Am J Hum Genet. 2010 Mar 12;86(3):454-61. PMID: 20206336; Schonewolf-Greulich et al., Am J Med Genet A. 2011 Dec;155A(12):2964-9. PMID: 22052739; Coe et al., Nat Genet. 2014 Oct;46(10):1063-71. PMID: 25217958

GRCh37/hg19 17q23.1-23.2(chr17:58111095-60355640)x1

Genes: APPBP2 (amyloid beta precursor protein binding protein 2; minus strand), BCAS3 (BCAS3 microtubule associated cell migration factor; plus strand), BRIP1 (BRCA1 interacting DNA helicase 1; minus strand), CA4 (carbonic anhydrase 4; plus strand), CHCT1 (CHD1 helical C-terminal domain containing 1; plus strand) and 9 more. Cytogenetic location: 17q23.1-23.2.
Variant type: copy number loss.
Change: copy number 1 (one copy instead of two) of chr17:58,111,095-60,355,640 (2.24 Mb, GRCh37 coordinates, 1-based), cytogenetic band 17q23.1-23.2.
Identifiers: ClinVar variation 2685604 (VCV002685604.1).